The following is an entry in ClinVar:

ClinVar aggregate classification (germline): Likely pathogenic (1 of 4 stars; one submission).

Conditions:
Alternating hemiplegia of childhood 2 (AHC2). Also called: Alternating Hemiplegia of Childhood (AHC). Identifiers: Orphanet 2131, MedGen C3553788, MONDO:0013900, OMIM 614820.

Submission:

Institute of Human Genetics, University of Leipzig Medical Center
Classification: Likely pathogenic for Alternating hemiplegia of childhood 2. Last evaluated: 2024-10-14. Review status: criteria provided, single submitter. Criteria: ACMG Guidelines, 2015. Collection method: clinical testing. Allele origin: unknown. Inheritance: Autosomal dominant inheritance. Affected: yes.
Comment: Criteria applied: PM2,PM5,PP2,PP3

NM_152296.5(ATP1A3):c.2527G>A (p.Ala843Thr)

Gene: ATP1A3 (ATPase Na+/K+ transporting subunit alpha 3; minus strand). Cytogenetic location: 19q13.2.
Variant type: single nucleotide variant.
Coding change: c.2527G>A on transcript NM_152296.5 (MANE Select); coding-DNA position 2527, G replaced by A.
Protein change: p.Ala843Thr; replaces alanine 843 with threonine.
Molecular consequence: missense variant.
Genome position (GRCh38, 1-based): chr19:41,970,200, C>T on the plus strand (G>A on the coding strand, the complement: ATP1A3 is on the minus strand). VCF-style: chr19-41970200-C-T. GRCh37 (hg19) VCF-style: chr19-42474352-C-T.
Other names: c.2560G>A, p.Ala854Thr (NM_001256213.2); c.2566G>A, p.Ala856Thr (NM_001256214.2); short protein forms A843T, A854T, A856T.
Identifiers: ClinVar variation 3376135 (VCV003376135.3).